The following is an entry in ClinVar:

ClinVar aggregate classification (germline): Pathogenic. Review status: criteria provided, multiple submitters, no conflicts (2 of 4 stars). 2 submissions from 2 submitters: Pathogenic (2). Last evaluated 2024-01-02.

Conditions:
Breast-ovarian cancer, familial, susceptibility to, 3. Also called: RAD51C-Related Breast/Ovarian Cancer. Identifiers: Orphanet 145, MedGen C3150659, MONDO:0013253, OMIM 613399.
Hereditary cancer-predisposing syndrome. Also called: Hereditary neoplastic syndrome; Neoplastic Syndromes, Hereditary; Tumor predisposition; Hereditary Cancer Syndrome. Identifiers: Orphanet 140162, MedGen C0027672, MeSH D009386, MONDO:0015356.

Submissions (2):

Myriad Genetics, Inc.
Classification: Pathogenic for Breast-ovarian cancer, familial, susceptibility to, 3. Last evaluated: 2024-01-02. Review status: criteria provided, single submitter. Criteria: Myriad Autosomal Dominant, Autosomal Recessive and X-Linked Classification Criteria (2023). Collection method: clinical testing. Allele origin: unknown.
Comment: This variant is considered pathogenic. This variant creates a frameshift predicted to result in premature protein truncation.

Ambry Genetics
Classification: Pathogenic for Hereditary cancer-predisposing syndrome. Last evaluated: 2017-11-30. Review status: criteria provided, single submitter. Criteria: Ambry General Variant Classification Scheme_2022. Collection method: clinical testing. Allele origin: germline. Observed: 1 variant allele.
Comment: The c.407_420del14 pathogenic mutation, located in coding exon 3 of the RAD51C gene, results from a deletion of 14 nucleotides at nucleotide positions 407 to 420, causing a translational frameshift with a predicted alternate stop codon (p.M136Rfs*14). This alteration is expected to result in loss of function by premature protein truncation or nonsense-mediated mRNA decay. As such, this alteration is interpreted as a disease-causing mutation.

NM_058216.1(RAD51C):c.407_420del14

Gene: RAD51C (RAD51 paralog C; plus strand). Cytogenetic location: 17q22.
Variant type: Deletion.
Coding change: c.407_420del14 on transcript NM_058216.1; coding-DNA positions 407 to 420, 14 bases deleted (TGCAGTTGGCAGTA).
Genome position (GRCh38, 1-based): chr17:58,696,695-58,696,708, TGCAGTTGGCAGTA deleted; deleting any 14 consecutive bases within chr17:58,696,690-58,696,708 gives the same sequence; the c. name uses the placement nearest the transcript's 3' end. VCF-style (leftmost placement, unchanged base first): chr17-58696689-ACAGTATGCAGTTGG-A. GRCh37 (hg19) VCF-style: chr17-56774050-ACAGTATGCAGTTGG-A.
Identifiers: ClinVar variation 1737545 (VCV001737545.2), ClinGen allele CA2580094404.